The following is an entry in ClinVar:

ClinVar aggregate classification (germline): Uncertain significance. Review status: criteria provided, multiple submitters, no conflicts (2 of 4 stars). 4 submissions from 4 submitters: Uncertain significance (4). Last evaluated 2026-07-06.

Conditions:
WNK1-related disorder. Also called: WNK1-related condition.
Inborn genetic diseases. Identifiers: MedGen C0950123, MeSH D030342.
Pseudohypoaldosteronism type 2C (PHA2C). Also called: Pseudohypoaldosteronism Type IIC. Identifiers: Orphanet 757, Orphanet 88940, MedGen C1840391, MONDO:0013778, OMIM 614492.
Neuropathy, hereditary sensory and autonomic, type 2A (HSAN2A). Also called: ACROOSTEOLYSIS, GIACCAI TYPE; ACROOSTEOLYSIS, NEUROGENIC; MORVAN DISEASE; WNK1-Related HSAN2 (HSAN2A); NEUROPATHY, CONGENITAL SENSORY; NEUROPATHY, HEREDITARY SENSORY RADICULAR, AUTOSOMAL RECESSIVE. Identifiers: Orphanet 970, MedGen C2752089, MONDO:0024309, OMIM 201300.

Allele frequency attached by ClinVar (database versions not stated): gnomAD 0.00004; gnomAD exomes 0.00007 and 0.00017; ExAC 0.00008; TOPMed 0.00010.
gnomAD v4.1: 243 of 1,536,000 alleles (0.016%); highest among the groups gnomAD compares: Non-Finnish European, 0.02%; no homozygotes.

Submissions (4):

PreventionGenetics, part of Exact Sciences
Classification: Uncertain significance for WNK1-related condition. Last evaluated: 2026-07-06. Review status: criteria provided, single submitter. Criteria: ACMG Guidelines, 2015. Collection method: clinical testing. Allele origin: germline.
Comment: The WNK1 c.2380C>T variant is predicted to result in the amino acid substitution p.Leu794Phe. To our knowledge, this variant has not been reported in the literature. This variant is reported in 0.015% of alleles in individuals of European (non-Finnish) descent in gnomAD. At this time, the clinical significance of this variant is uncertain due to the absence of conclusive functional and genetic evidence.

Labcorp Genetics (formerly Invitae), Labcorp
Classification: Uncertain significance for Neuropathy, hereditary sensory and autonomic, type 2A; Pseudohypoaldosteronism type 2C. Last evaluated: 2025-06-08. Review status: criteria provided, single submitter. Criteria: Invitae Variant Classification Sherloc (09022015). Collection method: clinical testing. Allele origin: germline.
Comment: This sequence change replaces leucine, which is neutral and non-polar, with phenylalanine, which is neutral and non-polar, at codon 794 of the WNK1 protein (p.Leu794Phe). This variant is present in population databases (rs773790877, gnomAD 0.01%). This variant has not been reported in the literature in individuals affected with WNK1-related conditions. ClinVar contains an entry for this variant (Variation ID: 842708). Invitae Evidence Modeling of protein sequence and biophysical properties (such as structural, functional, and spatial information, amino acid conservation, physicochemical variation, residue mobility, and thermodynamic stability) indicates that this missense variant is not expected to disrupt WNK1 protein function with a negative predictive value of 95%. In summary, the available evidence is currently insufficient to determine the role of this variant in disease. Therefore, it has been classified as a Variant of Uncertain Significance.

Fulgent Genetics
Classification: Uncertain significance for Neuropathy, hereditary sensory and autonomic, type 2A; Pseudohypoaldosteronism type 2C. Last evaluated: 2022-04-05. Review status: criteria provided, single submitter. Criteria: ACMG Guidelines, 2015. Collection method: clinical testing. Allele origin: unknown.

Ambry Genetics
Classification: Uncertain significance for Inborn genetic diseases. Last evaluated: 2020-02-14. Review status: criteria provided, single submitter. Criteria: Ambry Variant Classification Scheme 2023. Collection method: clinical testing. Allele origin: germline.
Comment: The p.L794F variant (also known as c.2380C>T), located in coding exon 9 of the WNK1 gene, results from a C to T substitution at nucleotide position 2380. The leucine at codon 794 is replaced by phenylalanine, an amino acid with highly similar properties. This amino acid position is well conserved in available vertebrate species. In addition, the in silico prediction for this alteration is inconclusive. Since supporting evidence is limited at this time, the clinical significance of this alteration remains unclear.

NM_213655.5(WNK1):c.2380C>T (p.Leu794Phe)

Gene: WNK1 (WNK lysine deficient protein kinase 1; plus strand). Cytogenetic location: 12p13.33.
Variant type: single nucleotide variant.
Coding change: c.2380C>T on transcript NM_213655.5 (MANE Plus Clinical); coding-DNA position 2380, C replaced by T.
Protein change: p.Leu794Phe; replaces leucine 794 with phenylalanine.
Molecular consequence: missense variant. On other transcripts: intron variant (3).
Genome position (GRCh38, 1-based): chr12:865,350, C>T. VCF-style: chr12-865350-C-T. GRCh37 (hg19) VCF-style: chr12-974516-C-T.
Other names: c.2140-2516C>T (NM_001184985.2); c.2139+3080C>T (NM_018979.4, NM_014823.3); short protein forms L794F.
Identifiers: ClinVar variation 842708 (VCV000842708.13), dbSNP rs773790877, ClinGen allele CA6382150.